The following is an entry in ClinVar:

ClinVar aggregate classification (germline): Uncertain significance (1 of 4 stars; one submission).

Conditions:
Glycogen storage disease, type VII (GSD7). Also called: GSD VII; MUSCLE PHOSPHOFRUCTOKINASE DEFICIENCY; PFKM DEFICIENCY; TARUI DISEASE. Identifiers: Orphanet 371, MedGen C0017926, MONDO:0009295, OMIM 232800.

gnomAD v4.1: 1 of 1,606,790 alleles (0.000062%); highest among the groups gnomAD compares: Non-Finnish European, 0.000085%; no homozygotes.

Submission:

Labcorp Genetics (formerly Invitae), Labcorp
Classification: Uncertain significance for Glycogen storage disease, type VII. Last evaluated: 2022-05-21. Review status: criteria provided, single submitter. Criteria: Invitae Variant Classification Sherloc (09022015). Collection method: clinical testing. Allele origin: germline.
Comment: In summary, the available evidence is currently insufficient to determine the role of this variant in disease. Therefore, it has been classified as a Variant of Uncertain Significance. Variants that disrupt the consensus splice site are a relatively common cause of aberrant splicing (PMID: 17576681, 9536098). Algorithms developed to predict the effect of sequence changes on RNA splicing suggest that this variant may disrupt the consensus splice site. This variant has not been reported in the literature in individuals affected with PFKM-related conditions. This variant is not present in population databases (gnomAD no frequency). This sequence change falls in intron 19 of the PFKM gene. It does not directly change the encoded amino acid sequence of the PFKM protein. It affects a nucleotide within the consensus splice site.

Literature cited by the submitters: PubMed 17576681; PubMed 9536098.

NM_000289.6(PFKM):c.1880+3A>G

Gene: PFKM (phosphofructokinase, muscle; plus strand). Cytogenetic location: 12q13.11.
Variant type: single nucleotide variant.
Coding change: c.1880+3A>G on transcript NM_000289.6 (MANE Select); 3 bases into the intron after coding-DNA position 1880, A replaced by G.
Molecular consequence: intron variant.
Genome position (GRCh38, 1-based): chr12:48,143,817, A>G. VCF-style: chr12-48143817-A-G. GRCh37 (hg19) VCF-style: chr12-48537600-A-G.
Other names: c.1904+3A>G (NM_001354741.2); c.1880+3A>G (NM_001354742.2, NM_001354743.2, NM_001354744.2 and 2 more transcripts); c.1730+3A>G (NM_001354747.2, NM_001354748.2); c.2093+3A>G (NM_001166686.2, NM_001354737.1, NM_001354739.1 and 1 more transcripts); c.2189+3A>G (NM_001354736.1, NM_001354735.1); c.2024+3A>G (NM_001354740.1); c.1793+3A>G (NM_001354745.2); c.1754+3A>G (NM_001354746.2); and 1 more.
Identifiers: ClinVar variation 1958166 (VCV001958166.5), dbSNP rs2498640206, ClinGen allele CA2580085480.